The following is an entry in ClinVar:

NM_002900.3(RBP3):c.1831G>C (p.Val611Leu)

Gene: RBP3 (retinol binding protein 3; plus strand). Cytogenetic location: 10q11.22.
Variant type: single nucleotide variant.
Coding change: c.1831G>C on transcript NM_002900.3 (MANE Select); coding-DNA position 1831, G replaced by C.
Protein change: p.Val611Leu; replaces valine 611 with leucine.
Molecular consequence: missense variant.
Genome position (GRCh38, 1-based): chr10:47,350,315, G>C. VCF-style: chr10-47350315-G-C. GRCh37 (hg19) VCF-style: chr10-48389047-C-G.
Other names: short protein forms V611L.
Identifiers: ClinVar variation 1419084 (VCV001419084.6), dbSNP rs2132254318, ClinGen allele CA376671568.

ClinVar aggregate classification (germline): Uncertain significance (1 of 4 stars; one submission).

Allele frequency attached by ClinVar (database versions not stated): gnomAD exomes 0.00001.
gnomAD v4.1: 3 of 1,610,762 alleles (0.00019%); highest among the groups gnomAD compares: Non-Finnish European, 0.00025%; no homozygotes.

Submission:

Labcorp Genetics (formerly Invitae), Labcorp
Classification: Uncertain significance. Last evaluated: 2025-01-06. Review status: criteria provided, single submitter. Criteria: Invitae Variant Classification Sherloc (09022015). Collection method: clinical testing. Allele origin: germline.
Comment: This sequence change replaces valine, which is neutral and non-polar, with leucine, which is neutral and non-polar, at codon 611 of the RBP3 protein (p.Val611Leu). This variant is not present in population databases (gnomAD no frequency). This variant has not been reported in the literature in individuals affected with RBP3-related conditions. ClinVar contains an entry for this variant (Variation ID: 1419084). An algorithm developed to predict the effect of missense changes on protein structure and function (PolyPhen-2) suggests that this variant is likely to be tolerated. In summary, the available evidence is currently insufficient to determine the role of this variant in disease. Therefore, it has been classified as a Variant of Uncertain Significance.